The following is an entry in ClinVar:

NM_006420.3(ARFGEF2):c.5064T>A (p.Thr1688=)

Gene: ARFGEF2 (ARF guanine nucleotide exchange factor 2; plus strand). Cytogenetic location: 20q13.13.
Variant type: single nucleotide variant.
Coding change: c.5064T>A on transcript NM_006420.3 (MANE Select); coding-DNA position 5064, T replaced by A.
Protein change: p.Thr1688=; no amino-acid change (threonine 1688 retained).
Molecular consequence: synonymous variant.
Genome position (GRCh38, 1-based): chr20:49,032,049, T>A. VCF-style: chr20-49032049-T-A. GRCh37 (hg19) VCF-style: chr20-47648586-T-A.
Identifiers: ClinVar variation 1383610 (VCV001383610.6), dbSNP rs2123588149, ClinGen allele CA510799474.
Genomic context (GRCh38, chr20:49,032,049, plus strand): 5'-CCCTGAATGTGAGATGTTAATCAATTGTTTGATATGCCTCCCCCTCTCTAATTCTTCTAG[T>A]GTTTGCAGTGAAGCTCTTGCCTATTTCATCACTGTGAATTCTGAGAGCCATCGGGAGGCC-3'
Protein context (NP_006411.2, residues 1678-1698): SWEEIQQRLL[Thr1688=]VCSEALAYFI

ClinVar aggregate classification (germline): Uncertain significance (1 of 4 stars; one submission).

Submission:

Labcorp Genetics (formerly Invitae), Labcorp
Classification: Uncertain significance. Last evaluated: 2023-07-17. Review status: criteria provided, single submitter. Criteria: Invitae Variant Classification Sherloc (09022015). Collection method: clinical testing. Allele origin: germline.
Comment: In summary, the available evidence is currently insufficient to determine the role of this variant in disease. Therefore, it has been classified as a Variant of Uncertain Significance. Algorithms developed to predict the effect of sequence changes on RNA splicing suggest that this variant is not likely to affect RNA splicing. ClinVar contains an entry for this variant (Variation ID: 1383610). This variant has not been reported in the literature in individuals affected with ARFGEF2-related conditions. This variant is not present in population databases (gnomAD no frequency). This sequence change affects codon 1688 of the ARFGEF2 mRNA. It is a 'silent' change, meaning that it does not change the encoded amino acid sequence of the ARFGEF2 protein. It affects a nucleotide within the consensus splice site.